The following is an entry in ClinVar:

ClinVar aggregate classification (germline): Uncertain significance (1 of 4 stars; one submission).

Allele frequency attached by ClinVar (database versions not stated): ExAC 0.00001.
gnomAD v4.1: 1 of 1,612,534 alleles (0.000062%); no homozygotes.

Submission:

GeneDx
Classification: Uncertain significance. Last evaluated: 2022-11-14. Review status: criteria provided, single submitter. Criteria: GeneDx Variant Classification Process June 2021. Collection method: clinical testing. Allele origin: germline. Affected: yes.
Comment: In silico analysis supports that this missense variant has a deleterious effect on protein structure/function; Has not been previously published as pathogenic or benign to our knowledge

NM_001205293.3(CACNA1E):c.2125G>A (p.Ala709Thr)

Gene: CACNA1E (calcium voltage-gated channel subunit alpha1 E; plus strand). Cytogenetic location: 1q25.3.
Variant type: single nucleotide variant.
Coding change: c.2125G>A on transcript NM_001205293.3 (MANE Select); coding-DNA position 2125, G replaced by A.
Protein change: p.Ala709Thr; replaces alanine 709 with threonine.
Molecular consequence: missense variant.
Genome position (GRCh38, 1-based): chr1:181,724,520, G>A. VCF-style: chr1-181724520-G-A. GRCh37 (hg19) VCF-style: chr1-181693656-G-A.
Other names: c.2125G>A, p.Ala709Thr (NM_000721.4, NM_001205294.2); short protein forms A709T.
Identifiers: ClinVar variation 2501883 (VCV002501883.1), dbSNP rs777063356, ClinGen allele CA1275260.